The following is an entry in ClinVar:

NM_000035.4(ALDOB):c.664G>T (p.Val222Phe)

Gene: ALDOB (aldolase, fructose-bisphosphate B; minus strand). Cytogenetic location: 9q31.1.
Variant type: single nucleotide variant.
Coding change: c.664G>T on transcript NM_000035.4 (MANE Select); coding-DNA position 664, G replaced by T.
Protein change: p.Val222Phe; replaces valine 222 with phenylalanine.
Molecular consequence: missense variant.
Genome position (GRCh38, 1-based): chr9:101,425,588, C>A on the plus strand (G>T on the coding strand, the complement: ALDOB is on the minus strand). VCF-style: chr9-101425588-C-A. GRCh37 (hg19) VCF-style: chr9-104187870-C-A.
Other names: c.664G>T, p.Val222Phe (LRG_1244t1); short protein forms V222F.
Identifiers: ClinVar variation 553075 (VCV000553075.5), dbSNP rs1554702442, ClinGen allele CA374264875.

ClinVar aggregate classification (germline): Pathogenic/Likely pathogenic. Review status: criteria provided, multiple submitters, no conflicts (2 of 4 stars). 4 submissions from 4 submitters: Pathogenic (1); Likely pathogenic (1). 2 of the submissions do not count toward it. Last evaluated 2026-05-14.

Conditions:
Hereditary fructosuria. Also called: ALDOB DEFICIENCY; ALDOLASE B DEFICIENCY; FRUCTOSE-1,6-BISPHOSPHATE ALDOLASE B DEFICIENCY; FRUCTOSE-1-PHOSPHATE ALDOLASE DEFICIENCY; FRUCTOSEMIA; Fructose intolerance. Identifiers: Orphanet 469, MedGen C0016751, MONDO:0009249, OMIM 229600, HP:0005973. Disease mechanism: loss of function.

Allele frequency attached by ClinVar (database versions not stated): gnomAD exomes below 0.00001.

Submissions (4):

Women's Health and Genetics/Laboratory Corporation of America, LabCorp
Classification: Likely pathogenic for Hereditary fructosuria. Last evaluated: 2026-05-14. Review status: criteria provided, single submitter. Criteria: LabCorp Variant Classification Summary - May 2015. Collection method: clinical testing. Allele origin: germline.
Comment: Variant summary: ALDOB c.664G>T (p.Val222Phe) results in a non-conservative amino acid change in the encoded protein sequence. Algorithms developed to predict the effect of missense changes on protein structure and function all suggest that this variant is likely to be disruptive. The variant was absent in 251370 control chromosomes (gnomAD). c.664G>T has been observed in an individual affected with Hereditary fructosuria (Esposito_2004). At least one publication reports experimental evidence evaluating an impact on protein function, finding that the variant resulted in an insoluble protein (Esposito_2004). The following publication has been ascertained in the context of this evaluation (PMID: 15532022). ClinVar contains an entry for this variant (Variation ID: 553075). Based on the evidence outlined above, the variant was classified as likely pathogenic.

GeneDx
Classification: Pathogenic. Last evaluated: 2024-05-09. Review status: criteria provided, single submitter. Criteria: GeneDx Variant Classification Process June 2021. Collection method: clinical testing. Allele origin: germline. Affected: yes.
Comment: Published functional studies demonstrate a damaging effect on protein structure and function (PMID: 15532022); Not observed at significant frequency in large population cohorts (gnomAD); In silico analysis supports that this missense variant has a deleterious effect on protein structure/function; This variant is associated with the following publications: (PMID: 15532022)

ATS em Genética Clínica, Universidade Federal do Rio Grande do Sul
Classification: Pathogenic for Hereditary fructosuria. Last evaluated: 2021-03-18. Review status: no assertion criteria provided. Collection method: literature only. Allele origin: unknown. Affected: yes. Not counted in ClinVar's aggregate classification.

Counsyl
Classification: Uncertain significance for Hereditary fructosuria. Last evaluated: 2017-08-02. Review status: no assertion criteria provided. Collection method: clinical testing. Allele origin: unknown. Not counted in ClinVar's aggregate classification.

Literature cited by the submitters: PubMed 15532022 (cited by 3 submitters).